The following is an entry in ClinVar:

ClinVar aggregate classification (germline): Conflicting classifications of pathogenicity. Review status: criteria provided, conflicting classifications (1 of 4 stars). 9 submissions from 9 submitters: Uncertain significance (4); Likely benign (5). Last evaluated 2026-10-01.

Conditions:
Hereditary cancer-predisposing syndrome. Also called: Tumor predisposition; Neoplastic Syndromes, Hereditary; Hereditary neoplastic syndrome; Hereditary Cancer Syndrome. Identifiers: Orphanet 140162, MedGen C0027672, MeSH D009386, MONDO:0015356.
Tuberous sclerosis syndrome (TSC). Also called: Tuberous sclerosis; Tuberous Sclerosis Complex. Identifiers: Orphanet 805, MedGen C0041341, MONDO:0001734.
TSC2-related disorder. Also called: TSC2-related condition; TSC2-Related Disorders.
Tuberous sclerosis 2 (TSC2). Identifiers: Orphanet 805, MedGen C1860707, MONDO:0013199, OMIM 613254.

Allele frequency attached by ClinVar (database versions not stated): gnomAD exomes 0.00001 and 0.00002; ExAC 0.00003; TOPMed 0.00003; gnomAD 0.00004 and 0.00005.
gnomAD v4.1: 29 of 1,612,474 alleles (0.0018%); highest among the groups gnomAD compares: African/African-American, 0.004%; no homozygotes.

Submissions (9):

St. Jude Molecular Pathology, St. Jude Children's Research Hospital
Classification: Uncertain significance for Tuberous sclerosis 2. Last evaluated: 2026-10-01. Review status: criteria provided, single submitter. Criteria: St. Jude Assertion Criteria 2020. Collection method: clinical testing. Allele origin: germline.
Comment: The TSC2 c.5234G>A p.(Arg1745His) missense change has a maximum subpopulation frequency of 0.003% in gnomAD v2.1.1. The in silico tool REVEL predicts a deleterious effect on protein function, but to our knowledge this prediction has not been confirmed by functional studies. To our knowledge, this variant has not been reported in individuals with tuberous sclerosis complex. In summary, the evidence currently available is insu fficient to determine the clinical significance of this variant. It has therefore been classified as of uncertain significance (VUS-Low).

Labcorp Genetics (formerly Invitae), Labcorp
Classification: Likely benign for Tuberous sclerosis 2. Last evaluated: 2026-01-01. Review status: criteria provided, single submitter. Criteria: Invitae Variant Classification Sherloc (09022015). Collection method: clinical testing. Allele origin: germline.

PreventionGenetics, part of Exact Sciences
Classification: Likely benign for TSC2-related condition. Last evaluated: 2025-11-29. Review status: criteria provided, single submitter. Criteria: ACMG Guidelines, 2015. Collection method: clinical testing. Allele origin: germline.
Comment: This variant is classified as likely benign based on ACMG/AMP sequence variant interpretation guidelines (Richards et al. 2015 PMID: 25741868, with internal and published modifications).

Color Diagnostics, LLC DBA Color Health
Classification: Uncertain significance for Tuberous sclerosis syndrome. Last evaluated: 2024-07-31. Review status: criteria provided, single submitter. Criteria: ACMG Guidelines, 2015. Collection method: clinical testing. Allele origin: germline.
Comment: This missense variant replaces arginine with histidine at codon 1745 of the TSC2 protein. Computational prediction suggests that this variant may have deleterious impact on protein structure and function. To our knowledge, functional studies have not been reported for this variant. This variant has not been reported in individuals affected with TSC2-related disorders in the literature. This variant has been identified in 2/249876 chromosomes in the general population by the Genome Aggregation Database (gnomAD). The available evidence is insufficient to determine the role of this variant in disease conclusively. Therefore, this variant is classified as a Variant of Uncertain Significance.

Ambry Genetics
Classification: Likely benign for Hereditary cancer-predisposing syndrome. Last evaluated: 2023-07-14. Review status: criteria provided, single submitter. Criteria: Ambry Variant Classification Scheme 2023. Collection method: clinical testing. Allele origin: germline.

Genome-Nilou Lab
Classification: Likely benign for Tuberous sclerosis 2. Last evaluated: 2021-11-07. Review status: criteria provided, single submitter. Criteria: ACMG Guidelines, 2015. Collection method: clinical testing. Allele origin: germline. Affected: no.

Sema4
Classification: Uncertain significance for Hereditary cancer-predisposing syndrome. Last evaluated: 2021-09-03. Review status: criteria provided, single submitter. Criteria: Sema4 Curation Guidelines. Collection method: curation. Allele origin: germline.
Comment: The TSC2 c.5234G>A (p.R1745H) variant has not been reported in literature to our knowledge. This variant was observed in 2//249876 chromosomes in the Genome Aggregation Database (PMID: 32461654). This variant has been reported in ClinVar (Variation ID 372688). In silico tools suggest the impact of the variant on protein function is deleterious, though these predictions have not been confirmed by functional studies. The overall evidence is insufficient to meet ACMG/AMP criteria for classifying it as benign or pathogenic. In summary, the clinical significance of this variant is currently uncertain.

Quest Diagnostics Nichols Institute San Juan Capistrano
Classification: Uncertain significance. Last evaluated: 2021-07-25. Review status: criteria provided, single submitter. Criteria: Quest Diagnostics criteria. Collection method: clinical testing. Allele origin: unknown.

GeneDx
Classification: Likely benign. Last evaluated: 2021-03-17. Review status: criteria provided, single submitter. Criteria: GeneDx Variant Classification Process June 2021. Collection method: clinical testing. Allele origin: germline. Affected: yes.
Comment: This variant is associated with the following publications: (PMID: 28191889)

Literature cited by the submitters: PubMed 28191889 (cited by Quest Diagnostics Nichols Institute San Juan Capistrano).

NM_000548.5(TSC2):c.5234G>A (p.Arg1745His)

Gene: TSC2 (TSC complex subunit 2; plus strand). Cytogenetic location: 16p13.3.
Variant type: single nucleotide variant.
Coding change: c.5234G>A on transcript NM_000548.5 (MANE Select); coding-DNA position 5234, G replaced by A.
Protein change: p.Arg1745His; replaces arginine 1745 with histidine.
Molecular consequence: missense variant.
Genome position (GRCh38, 1-based): chr16:2,088,300, G>A. VCF-style: chr16-2088300-G-A. GRCh37 (hg19) VCF-style: chr16-2138301-G-A.
Other names: c.5033G>A, p.Arg1678His (NM_001077183.3); c.5165G>A, p.Arg1722His (NM_001114382.3); c.4925G>A, p.Arg1642His (NM_001318827.2); c.4889G>A, p.Arg1630His (NM_001318829.2); c.4502G>A, p.Arg1501His (NM_001318831.2); c.5066G>A, p.Arg1689His (NM_001318832.2); c.5036G>A, p.Arg1679His (NM_001363528.2); c.5102G>A, p.Arg1701His (NM_001370404.1); and 3 more; short protein forms R1745H, R1642H, R1630H, R1679H, R1698H, R1701H, R1722H, R1501H.
Identifiers: ClinVar variation 372688 (VCV000372688.24), dbSNP rs766093661, ClinGen allele CA054529.